The following is an entry in ClinVar:

ClinVar aggregate classification (germline): Uncertain significance. Review status: criteria provided, multiple submitters, no conflicts (2 of 4 stars). 2 submissions from 2 submitters: Uncertain significance (2). Last evaluated 2024-10-15.

Conditions:
Hereditary cancer-predisposing syndrome. Also called: Neoplastic Syndromes, Hereditary; Tumor predisposition; Hereditary neoplastic syndrome; Hereditary Cancer Syndrome. Identifiers: Orphanet 140162, MedGen C0027672, MeSH D009386, MONDO:0015356.
Renal cell carcinoma. Identifiers: Orphanet 217071, MedGen C0007134, MeSH D002292, MONDO:0005086, HP:0005584.

Submissions (2):

Ambry Genetics
Classification: Uncertain significance for Hereditary cancer-predisposing syndrome. Last evaluated: 2024-10-15. Review status: criteria provided, single submitter. Criteria: Ambry Variant Classification Scheme 2023. Collection method: clinical testing. Allele origin: germline.
Comment: The p.R1040G variant (also known as c.3118C>G), located in coding exon 14 of the MET gene, results from a C to G substitution at nucleotide position 3118. The arginine at codon 1040 is replaced by glycine, an amino acid with dissimilar properties. This amino acid position is conserved. In addition, this alteration is predicted to be deleterious by in silico analysis. Since supporting evidence is limited at this time, the clinical significance of this alteration remains unclear.

Labcorp Genetics (formerly Invitae), Labcorp
Classification: Uncertain significance for Renal cell carcinoma. Last evaluated: 2023-09-25. Review status: criteria provided, single submitter. Criteria: Invitae Variant Classification Sherloc (09022015). Collection method: clinical testing. Allele origin: germline.
Comment: This variant is not present in population databases (gnomAD no frequency). This variant has not been reported in the literature in individuals affected with MET-related conditions. ClinVar contains an entry for this variant (Variation ID: 1364166). An algorithm developed to predict the effect of missense changes on protein structure and function (PolyPhen-2) suggests that this variant is likely to be tolerated. In summary, the available evidence is currently insufficient to determine the role of this variant in disease. Therefore, it has been classified as a Variant of Uncertain Significance. This sequence change replaces arginine, which is basic and polar, with glycine, which is neutral and non-polar, at codon 1040 of the MET protein (p.Arg1040Gly).

NM_000245.4(MET):c.3064C>G (p.Arg1022Gly)

Gene: MET (MET proto-oncogene, receptor tyrosine kinase; plus strand). Cytogenetic location: 7q31.2.
Variant type: single nucleotide variant.
Coding change: c.3064C>G on transcript NM_000245.4 (MANE Select); coding-DNA position 3064, C replaced by G.
Protein change: p.Arg1022Gly; replaces arginine 1022 with glycine.
Molecular consequence: missense variant.
Genome position (GRCh38, 1-based): chr7:116,774,916, C>G. VCF-style: chr7-116774916-C-G. GRCh37 (hg19) VCF-style: chr7-116414970-C-G.
Other names: c.3118C>G, p.Arg1040Gly (NM_001127500.3); c.1774C>G, p.Arg592Gly (NM_001324402.2); short protein forms R1022G, R1040G, R592G.
Identifiers: ClinVar variation 1364166 (VCV001364166.11), dbSNP rs1193441628, ClinGen allele CA368987905.